The following is an entry in ClinVar:

ClinVar aggregate classification (germline): Uncertain significance (1 of 4 stars; one submission).

Submission:

Labcorp Genetics (formerly Invitae), Labcorp
Classification: Uncertain significance. Last evaluated: 2022-07-11. Review status: criteria provided, single submitter. Criteria: Invitae Variant Classification Sherloc (09022015). Collection method: clinical testing. Allele origin: germline.
Comment: In summary, the available evidence is currently insufficient to determine the role of this variant in disease. Therefore, it has been classified as a Variant of Uncertain Significance. Experimental studies and prediction algorithms are not available or were not evaluated, and the functional significance of this variant is currently unknown. This variant has not been reported in the literature in individuals affected with MKL1-related conditions. A gross deletion of the genomic region encompassing the full coding sequence of the MKL1 gene has been identified. The current clinical and genetic evidence is not sufficient to establish whether loss-of-function variants in MKL1 cause disease. The boundaries of this event are unknown as they extend beyond the assayed region for this gene and therefore may encompass additional genes.

NC_000022.10:g.(?_40807394)_(40904717_?)del

Gene: MRTFA (myocardin related transcription factor A; minus strand). Cytogenetic location: 22q13.1.
Variant type: Deletion.
Identifiers: ClinVar variation 1682907 (VCV001682907.5).